The following is an entry in ClinVar:

ClinVar aggregate classification (germline): Uncertain significance (1 of 4 stars; one submission).

Allele frequency attached by ClinVar (database versions not stated): TOPMed below 0.00001.

Submission:

Labcorp Genetics (formerly Invitae), Labcorp
Classification: Uncertain significance. Last evaluated: 2024-01-19. Review status: criteria provided, single submitter. Criteria: Invitae Variant Classification Sherloc (09022015). Collection method: clinical testing. Allele origin: germline.
Comment: This sequence change replaces proline, which is neutral and non-polar, with alanine, which is neutral and non-polar, at codon 489 of the IL2RB protein (p.Pro489Ala). This variant is not present in population databases (gnomAD no frequency). This variant has not been reported in the literature in individuals affected with IL2RB-related conditions. ClinVar contains an entry for this variant (Variation ID: 2101620). An algorithm developed to predict the effect of missense changes on protein structure and function (PolyPhen-2) suggests that this variant is likely to be tolerated. In summary, the available evidence is currently insufficient to determine the role of this variant in disease. Therefore, it has been classified as a Variant of Uncertain Significance.

NM_000878.5(IL2RB):c.1465C>G (p.Pro489Ala)

Gene: IL2RB (interleukin 2 receptor subunit beta; minus strand). Cytogenetic location: 22q12.3.
Variant type: single nucleotide variant.
Coding change: c.1465C>G on transcript NM_000878.5 (MANE Select); coding-DNA position 1465, C replaced by G.
Protein change: p.Pro489Ala; replaces proline 489 with alanine.
Molecular consequence: missense variant.
Genome position (GRCh38, 1-based): chr22:37,128,287, G>C on the plus strand (C>G on the coding strand, the complement: IL2RB is on the minus strand). VCF-style: chr22-37128287-G-C. GRCh37 (hg19) VCF-style: chr22-37524327-G-C.
Other names: c.1465C>G, p.Pro489Ala (NM_001346222.1, NM_001346223.2); short protein forms P489A.
Identifiers: ClinVar variation 2101620 (VCV002101620.4), dbSNP rs1921222945, ClinGen allele CA411423936.